The following is an entry in ClinVar:

ClinVar aggregate classification (germline): Likely pathogenic (1 of 4 stars; one submission).

Submission:

Labcorp Genetics (formerly Invitae), Labcorp
Classification: Likely pathogenic. Last evaluated: 2024-12-26. Review status: criteria provided, single submitter. Criteria: Invitae Variant Classification Sherloc (09022015). Collection method: clinical testing. Allele origin: germline.
Comment: This variant results in the deletion of part of exon 5 (c.763_772+9delinsGTCTCCAC) of the CFI gene. It is expected to disrupt RNA splicing. Variants that disrupt the donor or acceptor splice site typically lead to a loss of protein function (PMID: 16199547), and loss-of-function variants in CFI are known to be pathogenic (PMID: 15917334, 16621965, 19065647, 20016463, 22710145). This variant is not present in population databases (gnomAD no frequency). This variant has not been reported in the literature in individuals affected with CFI-related conditions. In summary, the currently available evidence indicates that the variant is pathogenic, but additional data are needed to prove that conclusively. Therefore, this variant has been classified as Likely Pathogenic.

Literature cited by the submitters: PubMed 16199547; PubMed 15917334; PubMed 16621965; PubMed 19065647; PubMed 20016463; PubMed 22710145.

NM_000204.5(CFI):c.763_772+9delinsGTCTCCAC

Gene: CFI (complement factor I; minus strand). Cytogenetic location: 4q25.
Variant type: Indel.
Coding change: c.763_772+9delinsGTCTCCAC on transcript NM_000204.5 (MANE Select); coding-DNA position 763 through 9 bases into the intron after coding-DNA position 772, TGTTGTAAAGGTAGACATA replaced by GTCTCCAC.
Molecular consequence: splice donor variant.
Genome position (GRCh38, 1-based): chr4:109,760,514-109,760,532, TATGTCTACCTTTACAACA replaced by GTGGAGAC on the plus strand (TGTTGTAAAGGTAGACATA replaced by GTCTCCAC on the coding strand, the reverse complement: CFI is on the minus strand). VCF-style: chr4-109760514-TATGTCTACCTTTACAACA-GTGGAGAC. GRCh37 (hg19) VCF-style: chr4-110681670-TATGTCTACCTTTACAACA-GTGGAGAC.
Other names: c.763_772+9delinsGTCTCCAC (NM_001375282.1, NM_001375280.1, NM_001375281.1 and 5 more transcripts); c.154_163+9delinsGTCTCCAC (NM_001375284.1).
Identifiers: ClinVar variation 3728140 (VCV003728140.2).